The following is an entry in ClinVar:

ClinVar aggregate classification (germline): Uncertain significance (1 of 4 stars; one submission).

Allele frequency attached by ClinVar (database versions not stated): ExAC 0.00001; gnomAD 0.00001.
gnomAD v4.1: 9 of 1,613,500 alleles (0.00056%); highest among the groups gnomAD compares: East Asian, 0.0022%; no homozygotes.

Submission:

Labcorp Genetics (formerly Invitae), Labcorp
Classification: Uncertain significance. Last evaluated: 2022-05-15. Review status: criteria provided, single submitter. Criteria: Invitae Variant Classification Sherloc (09022015). Collection method: clinical testing. Allele origin: germline.
Comment: In summary, the available evidence is currently insufficient to determine the role of this variant in disease. Therefore, it has been classified as a Variant of Uncertain Significance. Algorithms developed to predict the effect of missense changes on protein structure and function are either unavailable or do not agree on the potential impact of this missense change (SIFT: "Deleterious"; PolyPhen-2: "Probably Damaging"; Align-GVGD: "Class C0"). This variant has not been reported in the literature in individuals affected with CENPJ-related conditions. This variant is present in population databases (rs759234098, gnomAD 0.006%). This sequence change replaces arginine, which is basic and polar, with histidine, which is basic and polar, at codon 974 of the CENPJ protein (p.Arg974His).

NM_018451.5(CPAP):c.2921G>A (p.Arg974His)

Gene: CPAP (centrosome assembly and centriole elongation protein; minus strand). Cytogenetic location: 13q12.12.
Variant type: single nucleotide variant.
Coding change: c.2921G>A on transcript NM_018451.5 (MANE Select); coding-DNA position 2921, G replaced by A.
Protein change: p.Arg974His; replaces arginine 974 with histidine.
Molecular consequence: missense variant. On other transcripts: non-coding transcript variant (2).
Genome position (GRCh38, 1-based): chr13:24,899,489, C>T on the plus strand (G>A on the coding strand, the complement: CPAP is on the minus strand). VCF-style: chr13-24899489-C-T. GRCh37 (hg19) VCF-style: chr13-25473627-C-T.
Other names: short protein forms R974H.
Identifiers: ClinVar variation 2014744 (VCV002014744.4), dbSNP rs759234098, ClinGen allele CA6919473.